The following is an entry in ClinVar:

NM_001370259.2(MEN1):c.689G>A (p.Cys230Tyr)

Gene: MEN1 (menin 1; minus strand). Cytogenetic location: 11q13.1.
Variant type: single nucleotide variant.
Coding change: c.689G>A on transcript NM_001370259.2 (MANE Select); coding-DNA position 689, G replaced by A.
Protein change: p.Cys230Tyr; replaces cysteine 230 with tyrosine.
Molecular consequence: missense variant. On other transcripts: non-coding transcript variant (4).
Genome position (GRCh38, 1-based): chr11:64,807,646, C>T on the plus strand (G>A on the coding strand, the complement: MEN1 is on the minus strand). VCF-style: chr11-64807646-C-T. GRCh37 (hg19) VCF-style: chr11-64575118-C-T.
Other names: c.704G>A, p.Cys235Tyr (NM_130800.3, NM_130801.3, NM_130802.3 and 5 more transcripts); c.689G>A, p.Cys230Tyr (NM_001407146.1, NM_001407147.1, NM_001407152.1 and 7 more transcripts); c.584G>A, p.Cys195Tyr (NM_001407148.1, NM_001407149.1, NM_001407151.1 and 2 more transcripts); short protein forms C195Y, C230Y, C235Y.
Identifiers: ClinVar variation 3229106 (VCV003229106.4), dbSNP rs2136142515, ClinGen allele CA381184649.

ClinVar aggregate classification (germline): Uncertain significance. Review status: criteria provided, multiple submitters, no conflicts (2 of 4 stars). 2 submissions from 2 submitters: Uncertain significance (2). Last evaluated 2026-04-29.

Conditions:
Hereditary cancer-predisposing syndrome. Also called: Neoplastic Syndromes, Hereditary; Tumor predisposition; Hereditary Cancer Syndrome; Hereditary neoplastic syndrome. Identifiers: Orphanet 140162, MedGen C0027672, MeSH D009386, MONDO:0015356.
Multiple endocrine neoplasia, type 1 (MEN1). Also called: MEN I; WERMER SYNDROME; Endocrine adenomatosis multiple; MEN 1; MEA I. Identifiers: Orphanet 652, MedGen C0025267, MeSH D018761, MONDO:0007540, OMIM 131100.

Submissions (2):

Ambry Genetics
Classification: Uncertain significance for Hereditary cancer-predisposing syndrome. Last evaluated: 2026-04-29. Review status: criteria provided, single submitter. Criteria: Ambry Variant Classification Scheme 2023. Collection method: clinical testing. Allele origin: germline.
Comment: The p.C230Y variant (also known as c.689G>A), located in coding exon 3 of the MEN1 gene, results from a G to A substitution at nucleotide position 689. The cysteine at codon 230 is replaced by tyrosine, an amino acid with highly dissimilar properties. This amino acid position is conserved. In addition, this alteration is predicted to be deleterious by in silico analysis. Based on the available evidence, the clinical significance of this variant remains unclear.

Labcorp Genetics (formerly Invitae), Labcorp
Classification: Uncertain significance for Multiple endocrine neoplasia, type 1. Last evaluated: 2024-05-27. Review status: criteria provided, single submitter. Criteria: Invitae Variant Classification Sherloc (09022015). Collection method: clinical testing. Allele origin: germline.
Comment: This sequence change replaces cysteine, which is neutral and slightly polar, with tyrosine, which is neutral and polar, at codon 230 of the MEN1 protein (p.Cys230Tyr). This variant is not present in population databases (gnomAD no frequency). This variant has not been reported in the literature in individuals affected with MEN1-related conditions. Advanced modeling of protein sequence and biophysical properties (such as structural, functional, and spatial information, amino acid conservation, physicochemical variation, residue mobility, and thermodynamic stability) performed at Invitae indicates that this missense variant is expected to disrupt MEN1 protein function with a positive predictive value of 95%. In summary, the available evidence is currently insufficient to determine the role of this variant in disease. Therefore, it has been classified as a Variant of Uncertain Significance.